The following is an entry in ClinVar:

ClinVar aggregate classification (germline): Benign. Review status: criteria provided, multiple submitters, no conflicts (2 of 4 stars). 2 submissions from 2 submitters: Benign (2). Last evaluated 2018-06-19.

Allele frequency attached by ClinVar (database versions not stated): 1000 Genomes Project 0.01637; 1000 Genomes Project 30x 0.01640; TOPMed 0.03933; gnomAD 0.04004; gnomAD exomes 0.05115.
gnomAD v4.1: 66,973 of 1,353,330 alleles (4.9%); highest among the groups gnomAD compares: Admixed American, 6.2%; 1,935 homozygotes.

Submissions (2):

GeneDx
Classification: Benign. Last evaluated: 2018-06-19. Review status: criteria provided, single submitter. Criteria: GeneDx Variant Classification (06012015). Collection method: clinical testing. Allele origin: germline. Affected: yes.
Comment: This variant is considered likely benign or benign based on one or more of the following criteria: it is a conservative change, it occurs at a poorly conserved position in the protein, it is predicted to be benign by multiple in silico algorithms, and/or has population frequency not consistent with disease.

Breakthrough Genomics
Classification: Benign. Review status: criteria provided, single submitter. Criteria: ACMG Guidelines, 2015. Collection method: not provided. Allele origin: germline. Inheritance: Autosomal recessive inheritance. Affected: yes.

NM_001875.5(CPS1):c.4002+80T>C

Gene: CPS1 (carbamoyl-phosphate synthase 1; plus strand). Cytogenetic location: 2q34.
Variant type: single nucleotide variant.
Coding change: c.4002+80T>C on transcript NM_001875.5 (MANE Select); 80 bases into the intron after coding-DNA position 4002, T replaced by C.
Molecular consequence: intron variant.
Genome position (GRCh38, 1-based): chr2:210,663,277, T>C. VCF-style: chr2-210663277-T-C. GRCh37 (hg19) VCF-style: chr2-211528001-T-C.
Other names: c.4002+80T>C (NM_001369257.1, NM_001122633.3); c.4035+80T>C (NM_001369256.1).
Identifiers: ClinVar variation 676441 (VCV000676441.2), dbSNP rs7567836, ClinGen allele CA64740588.